The following is an entry in ClinVar:

NM_000165.5(GJA1):c.493T>C (p.Phe165Leu)

Gene: GJA1 (gap junction protein alpha 1; plus strand). Cytogenetic location: 6q22.31.
Variant type: single nucleotide variant.
Coding change: c.493T>C on transcript NM_000165.5 (MANE Select); coding-DNA position 493, T replaced by C.
Protein change: p.Phe165Leu; replaces phenylalanine 165 with leucine.
Molecular consequence: missense variant.
Genome position (GRCh38, 1-based): chr6:121,447,340, T>C. VCF-style: chr6-121447340-T-C. GRCh37 (hg19) VCF-style: chr6-121768486-T-C.
Other names: short protein forms F165L.
Identifiers: ClinVar variation 1966878 (VCV001966878.5), dbSNP rs1311754627, ClinGen allele CA365559132.
Genomic context (GRCh38, chr6:121,447,340, plus strand): 5'-GTGAAAATGCGAGGGGGGTTGCTGCGAACCTACATCATCAGTATCCTCTTCAAGTCTATC[T>C]TTGAGGTGGCCTTCTTGCTGATCCAGTGGTACATCTATGGATTCAGCTTGAGTGCTGTTT-3'
Protein context (NP_000156.1, residues 155-175): YIISILFKSI[Phe165Leu]EVAFLLIQWY

ClinVar aggregate classification (germline): Uncertain significance (1 of 4 stars; one submission).

Conditions:
Oculodentodigital dysplasia, autosomal recessive. Also called: OCULODENTOOSSEOUS DYSPLASIA, AUTOSOMAL RECESSIVE; ODDD, AUTOSOMAL RECESSIVE; ODOD, AUTOSOMAL RECESSIVE. Identifiers: Orphanet 2710, MedGen C2749477, MONDO:0009768, OMIM 257850.

Allele frequency attached by ClinVar (database versions not stated): gnomAD exomes below 0.00001; TOPMed below 0.00001; gnomAD 0.00001.
gnomAD v4.1: 2 of 1,614,022 alleles (0.00012%); highest among the groups gnomAD compares: Admixed American, 0.0017%; no homozygotes.

Submission:

Labcorp Genetics (formerly Invitae), Labcorp
Classification: Uncertain significance for Oculodentodigital dysplasia, autosomal recessive. Last evaluated: 2024-04-09. Review status: criteria provided, single submitter. Criteria: Invitae Variant Classification Sherloc (09022015). Collection method: clinical testing. Allele origin: germline.
Comment: This sequence change replaces phenylalanine, which is neutral and non-polar, with leucine, which is neutral and non-polar, at codon 165 of the GJA1 protein (p.Phe165Leu). This variant is present in population databases (no rsID available, gnomAD 0.003%). This variant has not been reported in the literature in individuals affected with GJA1-related conditions. ClinVar contains an entry for this variant (Variation ID: 1966878). Advanced modeling of protein sequence and biophysical properties (such as structural, functional, and spatial information, amino acid conservation, physicochemical variation, residue mobility, and thermodynamic stability) performed at Invitae indicates that this missense variant is not expected to disrupt GJA1 protein function with a negative predictive value of 80%. In summary, the available evidence is currently insufficient to determine the role of this variant in disease. Therefore, it has been classified as a Variant of Uncertain Significance.